The following is an entry in ClinVar:

NM_001482.3(GATM):c.120G>C (p.Gln40His)

Gene: GATM (glycine amidinotransferase; minus strand). Cytogenetic location: 15q21.1.
Variant type: single nucleotide variant.
Coding change: c.120G>C on transcript NM_001482.3 (MANE Select); coding-DNA position 120, G replaced by C.
Protein change: p.Gln40His; replaces glutamine 40 with histidine.
Molecular consequence: missense variant. On other transcripts: 5 prime UTR variant (1).
Genome position (GRCh38, 1-based): chr15:45,376,769, C>G on the plus strand (G>C on the coding strand, the complement: GATM is on the minus strand). VCF-style: chr15-45376769-C-G. GRCh37 (hg19) VCF-style: chr15-45668967-C-G.
Other names: c.-268G>C (NM_001321015.2); short protein forms Q40H.
Identifiers: ClinVar variation 2783986 (VCV002783986.3), dbSNP rs2542005881, ClinGen allele CA392265700.

ClinVar aggregate classification (germline): Uncertain significance (1 of 4 stars; one submission).

Conditions:
Arginine:glycine amidinotransferase deficiency (CCDS3). Also called: L-Arginine:Glycine Amidinotransferase (AGAT) Deficiency; AGAT deficiency; L-Arginine:Glycine Amidinotransferase Deficiency; Cerebral creatine deficiency syndrome 3; Creatine deficiency syndrome due to AGAT deficiency; GATM deficiency. Identifiers: Orphanet 35704, MedGen C2675179, MONDO:0012996, OMIM 612718.

Submission:

Labcorp Genetics (formerly Invitae), Labcorp
Classification: Uncertain significance for Arginine:glycine amidinotransferase deficiency. Last evaluated: 2023-07-07. Review status: criteria provided, single submitter. Criteria: Invitae Variant Classification Sherloc (09022015). Collection method: clinical testing. Allele origin: germline.
Comment: In summary, the available evidence is currently insufficient to determine the role of this variant in disease. Therefore, it has been classified as a Variant of Uncertain Significance. An algorithm developed to predict the effect of missense changes on protein structure and function (PolyPhen-2) suggests that this variant is likely to be disruptive. This variant has not been reported in the literature in individuals affected with GATM-related conditions. This variant is not present in population databases (gnomAD no frequency). This sequence change replaces glutamine, which is neutral and polar, with histidine, which is basic and polar, at codon 40 of the GATM protein (p.Gln40His).